The following is an entry in ClinVar:

ClinVar aggregate classification (germline): Likely benign. Review status: criteria provided, multiple submitters, no conflicts (2 of 4 stars). 2 submissions from 2 submitters: Likely benign (2). Last evaluated 2018-06-16.

Allele frequency attached by ClinVar (database versions not stated): gnomAD 0.00853 and 0.00917; TOPMed 0.00968; 1000 Genomes Project 0.01198; 1000 Genomes Project 30x 0.01234.
gnomAD v4.1: 1,285 of 152,064 alleles (0.85%); highest among the groups gnomAD compares: African/African-American, 2.9%; 12 homozygotes.

Submissions (2):

GeneDx
Classification: Likely benign. Last evaluated: 2018-06-16. Review status: criteria provided, single submitter. Criteria: GeneDx Variant Classification (06012015). Collection method: clinical testing. Allele origin: germline. Affected: yes.
Comment: This variant is considered likely benign or benign based on one or more of the following criteria: it is a conservative change, it occurs at a poorly conserved position in the protein, it is predicted to be benign by multiple in silico algorithms, and/or has population frequency not consistent with disease.

Breakthrough Genomics
Classification: Likely benign. Review status: criteria provided, single submitter. Criteria: ACMG Guidelines, 2015. Collection method: not provided. Allele origin: germline. Inheritance: Autosomal recessive inheritance. Affected: yes.

NM_001005361.3(DNM2):c.1197-940A>G

Gene: DNM2 (dynamin 2; plus strand). Cytogenetic location: 19p13.2.
Variant type: single nucleotide variant.
Coding change: c.1197-940A>G on transcript NM_001005361.3 (MANE Select); 940 bases into the intron before coding-DNA position 1197, A replaced by G.
Molecular consequence: intron variant.
Genome position (GRCh38, 1-based): chr19:10,796,440, A>G. VCF-style: chr19-10796440-A-G. GRCh37 (hg19) VCF-style: chr19-10907116-A-G.
Other names: c.1335+241A>G (NM_001005360.3, NM_001190716.2, NM_004945.4); c.1197-940A>G (NM_001005362.3).
Identifiers: ClinVar variation 678429 (VCV000678429.2), dbSNP rs79068463, ClinGen allele CA14711394.